The following is an entry in ClinVar:

NM_000051.4(ATM):c.3402+3A>C

Gene: ATM (ATM serine/threonine kinase; plus strand). Cytogenetic location: 11q22.3.
Variant type: single nucleotide variant.
Coding change: c.3402+3A>C on transcript NM_000051.4 (MANE Select); 3 bases into the intron after coding-DNA position 3402, A replaced by C.
Molecular consequence: intron variant.
Genome position (GRCh38, 1-based): chr11:108,279,611, A>C. VCF-style: chr11-108279611-A-C. GRCh37 (hg19) VCF-style: chr11-108150338-A-C.
Other names: c.3402+3A>C (NM_001351834.2).
Identifiers: ClinVar variation 823730 (VCV000823730.13), dbSNP rs786203688, ClinGen allele CA915944393.

ClinVar aggregate classification (germline): Pathogenic/Likely pathogenic. Review status: criteria provided, multiple submitters, no conflicts (2 of 4 stars). 3 submissions from 3 submitters: Pathogenic (1); Likely pathogenic (2). Last evaluated 2024-10-24.

Conditions:
Hereditary cancer-predisposing syndrome. Also called: Neoplastic Syndromes, Hereditary; Hereditary Cancer Syndrome; Hereditary neoplastic syndrome; Tumor predisposition. Identifiers: Orphanet 140162, MedGen C0027672, MeSH D009386, MONDO:0015356.
Ataxia-telangiectasia syndrome (AT). Also called: ATAXIA-TELANGIECTASIA, COMPLEMENTATION GROUP A; ATAXIA-TELANGIECTASIA, FRESNO VARIANT; Ataxia-telangiectasia, complementation group E; Ataxia telangiectasia (A-T); LOUIS-BAR SYNDROME; Cerebello-oculocutaneous telangiectasia. Identifiers: Orphanet 100, MedGen C0004135, MONDO:0008840, OMIM 208900.

Submissions (3):

Ambry Genetics
Classification: Likely pathogenic for Hereditary cancer-predisposing syndrome. Last evaluated: 2024-10-24. Review status: criteria provided, single submitter. Criteria: Ambry Variant Classification Scheme 2023. Collection method: clinical testing. Allele origin: germline.
Comment: The c.3402+3A>C intronic variant results from an A to C substitution 3 nucleotides after coding exon 22 in the ATM gene. This nucleotide position is well conserved in available vertebrate species. In silico splice site analysis predicts that this alteration will weaken the native splice donor site. RNA studies have demonstrated that this alteration results in abnormal splicing in the set of samples tested (Ambry internal data). Based on the majority of available evidence to date, this variant is likely to be pathogenic.

Labcorp Genetics (formerly Invitae), Labcorp
Classification: Pathogenic for Ataxia-telangiectasia syndrome. Last evaluated: 2023-07-17. Review status: criteria provided, single submitter. Criteria: Invitae Variant Classification Sherloc (09022015). Collection method: clinical testing. Allele origin: germline.
Comment: For these reasons, this variant has been classified as Pathogenic. Variants that disrupt the consensus splice site are a relatively common cause of aberrant splicing (PMID: 17576681, 9536098). Studies have shown that this variant results in skipping of exon 23 and/or activation of a cryptic splice site in exon 24 and introduces a premature termination codon (PMID: 35245693; Invitae). The resulting mRNA is expected to undergo nonsense-mediated decay. ClinVar contains an entry for this variant (Variation ID: 823730). This variant has not been reported in the literature in individuals affected with ATM-related conditions. This variant is not present in population databases (gnomAD no frequency). This sequence change falls in intron 23 of the ATM gene. It does not directly change the encoded amino acid sequence of the ATM protein. RNA analysis indicates that this variant induces altered splicing and may result in an absent or disrupted protein product.

GeneDx
Classification: Likely pathogenic. Last evaluated: 2022-11-22. Review status: criteria provided, single submitter. Criteria: GeneDx Variant Classification Process June 2021. Collection method: clinical testing. Allele origin: germline. Affected: yes.
Comment: Published functional studies demonstrate a damaging effect: abnormal splicing resulting in multiple transcripts, including majority out-of-frame skipping of exon 23 as well as minority in-frame transcript (Castillo-Guardiola et al., 2022); In silico analysis supports a deleterious effect on splicing; Not observed at significant frequency in large population cohorts (gnomAD); Observed in individuals from one family with breast (DCIS) and colon cancer (Castillo-Guardiola et al., 2022); This variant is associated with the following publications: (PMID: 35245693)

Literature cited by the submitters: PubMed 17576681 (cited by Labcorp Genetics (formerly Invitae), Labcorp); PubMed 9536098 (cited by Labcorp Genetics (formerly Invitae), Labcorp); PubMed 35245693 (cited by Labcorp Genetics (formerly Invitae), Labcorp).